The following is an entry in ClinVar:

ClinVar aggregate classification (germline): Uncertain significance (1 of 4 stars; one submission).

Submission:

Ambry Genetics
Classification: Uncertain significance. Last evaluated: 2023-05-08. Review status: criteria provided, single submitter. Criteria: Ambry Variant Classification Scheme 2023. Collection method: clinical testing. Allele origin: germline.
Comment: The p.L362S variant (also known as c.1085T>C), located in coding exon 9 of the FAM175A gene, results from a T to C substitution at nucleotide position 1085. The leucine at codon 362 is replaced by serine, an amino acid with dissimilar properties. This amino acid position is conserved. In addition, this alteration is predicted to be tolerated by in silico analysis. Since supporting evidence is limited at this time, the clinical significance of this alteration remains unclear.

NM_139076.3(ABRAXAS1):c.1085T>C (p.Leu362Ser)

Gene: ABRAXAS1 (abraxas 1, BRCA1 A complex subunit; minus strand). Cytogenetic location: 4q21.23.
Variant type: single nucleotide variant.
Coding change: c.1085T>C on transcript NM_139076.3 (MANE Select); coding-DNA position 1085, T replaced by C.
Protein change: p.Leu362Ser; replaces leucine 362 with serine.
Molecular consequence: missense variant.
Genome position (GRCh38, 1-based): chr4:83,462,614, A>G on the plus strand (T>C on the coding strand, the complement: ABRAXAS1 is on the minus strand). VCF-style: chr4-83462614-A-G. GRCh37 (hg19) VCF-style: chr4-84383767-A-G.
Other names: c.758T>C, p.Leu253Ser (NM_001345962.2); short protein forms L253S, L362S.
Identifiers: ClinVar variation 2560577 (VCV002560577.2), dbSNP rs1372280058, ClinGen allele CA357255205.